The following is an entry in ClinVar:

NM_005215.4(DCC):c.1337G>A (p.Arg446His)

Gene: DCC (DCC netrin 1 receptor; plus strand). Cytogenetic location: 18q21.2.
Variant type: single nucleotide variant.
Coding change: c.1337G>A on transcript NM_005215.4 (MANE Select); coding-DNA position 1337, G replaced by A.
Protein change: p.Arg446His; replaces arginine 446 with histidine.
Molecular consequence: missense variant.
Genome position (GRCh38, 1-based): chr18:53,157,431, G>A. VCF-style: chr18-53157431-G-A. GRCh37 (hg19) VCF-style: chr18-50683801-G-A.
Other names: short protein forms R446H.
Identifiers: ClinVar variation 4880353 (VCV004880353.1).

ClinVar aggregate classification (germline): Uncertain significance (1 of 4 stars; one submission).

Conditions:
Mirror movements 1 (MRMV1). Identifiers: Orphanet 238722, MedGen C1834870, OMIM 157600, MONDO:0008002.

gnomAD v4.1: 45 of 1,614,090 alleles (0.0028%); highest among the groups gnomAD compares: South Asian, 0.013%; no homozygotes.

Submission:

Bilgehan Solmaz Lab, Istanbul Training and Research Hospital
Classification: Uncertain significance for Mirror movements 1. Last evaluated: 2026-07-27. Review status: criteria provided, single submitter. Criteria: ACMG Guidelines, 2015. Collection method: research. Allele origin: germline. Inheritance: Autosomal dominant inheritance. Affected: yes. Observed: 1 variant allele, 1 homozygote.
Comment: The variant is reported in dbSNP (rs138053380), 1000 Genomes Project (MAF 0.0002), and ExAC (MAF 0.00007415). Given the established association between DCC variants and congenital mirror movements (MRMV1, OMIM 157600), but in the absence of functional or segregation evidence for this specific variant, it is classified as a variant of uncertain significance. Reported in Solmaz et al., J Clin Neurosci 2018;54:69-76 (PMID: 29907388).

Literature cited by the submitters: PubMed 29907388.